The following is an entry in ClinVar:

NM_000260.4(MYO7A):c.3982C>T (p.Gln1328Ter)

Gene: MYO7A (myosin VIIA; plus strand). Cytogenetic location: 11q13.5.
Variant type: single nucleotide variant.
Coding change: c.3982C>T on transcript NM_000260.4 (MANE Select); coding-DNA position 3982, C replaced by T.
Protein change: p.Gln1328Ter; replaces glutamine 1328 with a stop codon.
Molecular consequence: nonsense.
Genome position (GRCh38, 1-based): chr11:77,192,108, C>T. VCF-style: chr11-77192108-C-T. GRCh37 (hg19) VCF-style: chr11-76903153-C-T.
Other names: c.3982C>T, p.Gln1328Ter (NM_001127180.2); c.3949C>T, p.Gln1317Ter (NM_001369365.1); short protein forms Q1317*, Q1328*.
Identifiers: ClinVar variation 984298 (VCV000984298.3), dbSNP rs1956130442, ClinGen allele CA381948637.

ClinVar aggregate classification (germline): Likely pathogenic (1 of 4 stars; one submission).

Conditions:
Usher syndrome type 1 (USH1). Also called: RETINITIS PIGMENTOSA AND CONGENITAL DEAFNESS. Identifiers: Orphanet 231169, Orphanet 886, MedGen C1568247, MONDO:0010168, OMIM 276900.

gnomAD v4.1: 2 of 1,613,906 alleles (0.00012%); highest among the groups gnomAD compares: Non-Finnish European, 0.00017%; no homozygotes.

Submission:

Myriad Genetics, Inc.
Classification: Likely pathogenic for Usher syndrome type 1. Last evaluated: 2019-05-18. Review status: criteria provided, single submitter. Criteria: Myriad Women's Health Autosomal Recessive and X-Linked Classification Criteria (2019). Collection method: clinical testing. Allele origin: unknown.
Comment: NM_000260.3(MYO7A):c.3982C>T(Q1328*) is expected to be pathogenic in the context of MYO7A-related disorders. This variant is predicted to lead to an abnormal or absent protein product due to the creation of a premature termination codon in MYO7A, a gene where loss-of-function variants are known to be pathogenic. Please note: this variant was assessed in the context of healthy population screening.